The following is an entry in ClinVar:

NM_016156.6(MTMR2):c.1504G>C (p.Glu502Gln)

Gene: MTMR2 (myotubularin related protein 2; minus strand). Cytogenetic location: 11q21.
Variant type: single nucleotide variant.
Coding change: c.1504G>C on transcript NM_016156.6 (MANE Select); coding-DNA position 1504, G replaced by C.
Protein change: p.Glu502Gln; replaces glutamic acid 502 with glutamine.
Molecular consequence: missense variant.
Genome position (GRCh38, 1-based): chr11:95,838,183, C>G on the plus strand (G>C on the coding strand, the complement: MTMR2 is on the minus strand). VCF-style: chr11-95838183-C-G. GRCh37 (hg19) VCF-style: chr11-95571347-C-G.
Other names: c.1504G>C (NM_003912.1); c.1288G>C, p.Glu430Gln (NM_001243571.2, NM_201278.3, NM_201281.3); short protein forms E502Q, E430Q.
Identifiers: ClinVar variation 306538 (VCV000306538.24), dbSNP rs61735578, ClinGen allele CA6239956.

ClinVar aggregate classification (germline): Benign. Review status: criteria provided, multiple submitters, no conflicts (2 of 4 stars). 10 submissions from 10 submitters: Benign (8). 2 of the submissions do not count toward it. Last evaluated 2026-02-03.

Conditions:
Charcot-Marie-Tooth disease. Also called: Charcot-Marie-Tooth Neuropathy; Charcot-Marie-Tooth Hereditary Neuropathy. Identifiers: Orphanet 166, MedGen C0007959, MONDO:0015626.
Charcot-Marie-Tooth disease type 4. Also called: Charcot-Marie-Tooth disease, type IV; Charcot-Marie-Tooth, Type 4. Identifiers: Orphanet 64749, MedGen C4082197, MONDO:0018995.
Charcot-Marie-Tooth disease type 4B1. Also called: CHARCOT-MARIE-TOOTH DISEASE, AUTOSOMAL RECESSIVE, WITH FOCALLY FOLDED MYELIN SHEATHS, AUTOSOMAL RECESSIVE, TYPE 4B1; CHARCOT-MARIE-TOOTH DISEASE, TYPE 4B; Charcot-Marie-Tooth Neuropathy Type 4B1; CHARCOT-MARIE-TOOTH DISEASE, DEMYELINATING, TYPE 4B1. Identifiers: Orphanet 99955, MedGen C1832399, MONDO:0011066, OMIM 601382.

Allele frequency attached by ClinVar (database versions not stated): TOPMed 0.03115; ESP Exome Variant Server 0.03301; gnomAD exomes 0.03477; ExAC 0.03619; gnomAD 0.03636 and 0.03711; 1000 Genomes Project 0.04233; 1000 Genomes Project 30x 0.04497.
gnomAD v4.1: 43,737 of 1,605,020 alleles (2.7%); highest among the groups gnomAD compares: South Asian, 9%; 1,053 homozygotes.

Submissions (10):

Labcorp Genetics (formerly Invitae), Labcorp
Classification: Benign for Charcot-Marie-Tooth disease type 4. Last evaluated: 2026-02-03. Review status: criteria provided, single submitter. Criteria: Invitae Variant Classification Sherloc (09022015). Collection method: clinical testing. Allele origin: germline.

Athena Diagnostics
Classification: Benign. Last evaluated: 2025-08-06. Review status: criteria provided, single submitter. Criteria: Athena Diagnostics Criteria. Collection method: clinical testing. Allele origin: unknown.
Comment: The frequency of this variant in the general population is higher than would generally be expected for pathogenic variants in this gene. Computational tools predict this amino acid change may be benign.

Illumina Laboratory Services, Illumina
Classification: Benign for Charcot-Marie-Tooth disease type 4B1. Last evaluated: 2018-01-13. Review status: criteria provided, single submitter. Criteria: ICSL Variant Classification Criteria 13 December 2019. Collection method: clinical testing. Allele origin: germline.
Comment: This variant was observed in the ICSL laboratory as part of a predisposition screen in an ostensibly healthy population. It had not been previously curated by ICSL or reported in the Human Gene Mutation Database (HGMD: prior to June 1st, 2018), and was therefore a candidate for classification through an automated scoring system. Utilizing variant allele frequency, disease prevalence and penetrance estimates, and inheritance mode, an automated score was calculated to assess if this variant is too frequent to cause the disease. Based on the score and internal cut-off values, a variant classified as benign is not then subjected to further curation. The score for this variant resulted in a classification of benign for this disease.

Mayo Clinic Laboratories, Mayo Clinic
Classification: Benign. Last evaluated: 2016-05-27. Review status: criteria provided, single submitter. Criteria: ACMG Guidelines, 2015. Collection method: clinical testing. Allele origin: germline. Observed: 85 variant alleles.

Genome Diagnostics Laboratory, University Medical Center Utrecht
Classification: Benign for Charcot-Marie-Tooth disease type 4B1. Last evaluated: 2016-03-10. Review status: criteria provided, single submitter. Criteria: ACGS Guidelines, 2013. Collection method: clinical testing. Allele origin: germline. Affected: yes. Study: VKGL Data-share Consensus.

GeneDx
Classification: Benign. Last evaluated: 2015-03-03. Review status: criteria provided, single submitter. Criteria: GeneDx Variant Classification Process June 2021. Collection method: clinical testing. Allele origin: germline. Affected: yes.

Breakthrough Genomics
Classification: Benign. Review status: criteria provided, single submitter. Criteria: ACMG Guidelines, 2015. Collection method: not provided. Allele origin: germline. Inheritance: Autosomal recessive inheritance. Affected: yes.

Molecular Genetics Laboratory, London Health Sciences Centre
Classification: Benign for Charcot-Marie-Tooth disease. Review status: criteria provided, single submitter. Criteria: ACMG Guidelines, 2015. Collection method: clinical testing. Allele origin: germline. Affected: yes.

Clinical Genetics, Academic Medical Center
Classification: Benign. Review status: no assertion criteria provided. Collection method: clinical testing. Allele origin: germline. Affected: yes. Study: VKGL Data-share Consensus. Not counted in ClinVar's aggregate classification.

Inherited Neuropathy Consortium
Classification: Uncertain significance. Review status: no assertion criteria provided. Collection method: literature only. Allele origin: germline. Affected: yes. Not counted in ClinVar's aggregate classification.

Literature cited by the submitters: PubMed 11354824 (cited by Athena Diagnostics and Inherited Neuropathy Consortium).